The following is an entry in ClinVar:

ClinVar aggregate classification (germline): Uncertain significance (1 of 4 stars; one submission).

Conditions:
Cornelia de Lange syndrome 1 (CDLS1). Also called: Brachmann de Lange syndrome; TYPUS DEGENERATIVUS AMSTELODAMENSIS; NIPBL-Related Cornelia de Lange Syndrome. Identifiers: Orphanet 199, MedGen C4551851, MONDO:0007387, OMIM 122470.

Allele frequency attached by ClinVar (database versions not stated): gnomAD exomes below 0.00001; ExAC 0.00001.
gnomAD v4.1: 1 of 1,556,718 alleles (0.000064%); highest among the groups gnomAD compares: South Asian, 0.0011%; no homozygotes.

Submission:

Labcorp Genetics (formerly Invitae), Labcorp
Classification: Uncertain significance for Cornelia de Lange syndrome 1. Last evaluated: 2023-11-24. Review status: criteria provided, single submitter. Criteria: Invitae Variant Classification Sherloc (09022015). Collection method: clinical testing. Allele origin: germline.
Comment: This sequence change replaces leucine, which is neutral and non-polar, with phenylalanine, which is neutral and non-polar, at codon 1257 of the NIPBL protein (p.Leu1257Phe). This variant is present in population databases (rs753222256, gnomAD 0.003%). This variant has not been reported in the literature in individuals affected with NIPBL-related conditions. An algorithm developed to predict the effect of missense changes on protein structure and function (PolyPhen-2) suggests that this variant is likely to be tolerated. In summary, the available evidence is currently insufficient to determine the role of this variant in disease. Therefore, it has been classified as a Variant of Uncertain Significance.

NM_133433.4(NIPBL):c.3769C>T (p.Leu1257Phe)

Gene: NIPBL (NIPBL cohesin loading factor; plus strand). Cytogenetic location: 5p13.2.
Variant type: single nucleotide variant.
Coding change: c.3769C>T on transcript NM_133433.4 (MANE Select); coding-DNA position 3769, C replaced by T.
Protein change: p.Leu1257Phe; replaces leucine 1257 with phenylalanine.
Molecular consequence: missense variant.
Genome position (GRCh38, 1-based): chr5:37,003,261, C>T. VCF-style: chr5-37003261-C-T. GRCh37 (hg19) VCF-style: chr5-37003363-C-T.
Other names: c.3769C>T, p.Leu1257Phe (NM_015384.5); short protein forms L1257F.
Identifiers: ClinVar variation 2698515 (VCV002698515.3), dbSNP rs753222256, ClinGen allele CA3236436.